The following is an entry in ClinVar:

NM_024675.4(PALB2):c.2484C>T (p.Cys828=)

Gene: PALB2 (partner and localizer of BRCA2; minus strand). Cytogenetic location: 16p12.2.
Variant type: single nucleotide variant.
Coding change: c.2484C>T on transcript NM_024675.4 (MANE Select); coding-DNA position 2484, C replaced by T.
Protein change: p.Cys828=; no amino-acid change (cysteine 828 retained).
Molecular consequence: synonymous variant.
Genome position (GRCh38, 1-based): chr16:23,629,670, G>A on the plus strand (C>T on the coding strand, the complement: PALB2 is on the minus strand). VCF-style: chr16-23629670-G-A. GRCh37 (hg19) VCF-style: chr16-23640991-G-A.
Identifiers: ClinVar variation 225864 (VCV000225864.17), dbSNP rs875989798, ClinGen allele CA10576109.

ClinVar aggregate classification (germline): Benign/Likely benign. Review status: criteria provided, multiple submitters, no conflicts (2 of 4 stars). 6 submissions from 6 submitters: Benign (1); Likely benign (4). 1 of the submissions does not count toward it. Last evaluated 2025-01-16.

Conditions:
Hereditary cancer-predisposing syndrome. Also called: Tumor predisposition; Hereditary neoplastic syndrome; Neoplastic Syndromes, Hereditary; Hereditary Cancer Syndrome. Identifiers: Orphanet 140162, MedGen C0027672, MeSH D009386, MONDO:0015356.
Familial cancer of breast. Also called: hereditary breast carcinoma; BREAST CANCER, FAMILIAL; Hereditary breast cancer. Identifiers: Orphanet 227535, MedGen C0346153, MONDO:0016419, OMIM 114480. Disease mechanism: loss of function.

Allele frequency attached by ClinVar (database versions not stated): gnomAD 0.00001; gnomAD exomes 0.00001.
gnomAD v4.1: 14 of 1,614,058 alleles (0.00087%); highest among the groups gnomAD compares: Non-Finnish European, 0.0011%; no homozygotes.

Submissions (6):

Myriad Genetics, Inc.
Classification: Benign for Familial cancer of breast. Last evaluated: 2025-01-16. Review status: criteria provided, single submitter. Criteria: Myriad Autosomal Dominant, Autosomal Recessive and X-Linked Classification Criteria (2023). Collection method: clinical testing. Allele origin: unknown.
Comment: This variant is considered benign. This variant is a silent/synonymous amino acid change and it is not expected to impact splicing.

Labcorp Genetics (formerly Invitae), Labcorp
Classification: Likely benign for Familial cancer of breast. Last evaluated: 2024-11-15. Review status: criteria provided, single submitter. Criteria: Invitae Variant Classification Sherloc (09022015). Collection method: clinical testing. Allele origin: germline.

Color Diagnostics, LLC DBA Color Health
Classification: Likely benign for Hereditary cancer-predisposing syndrome. Last evaluated: 2024-01-22. Review status: criteria provided, single submitter. Criteria: ACMG Guidelines, 2015. Collection method: clinical testing. Allele origin: germline.

Ambry Genetics
Classification: Likely benign for Hereditary cancer-predisposing syndrome. Last evaluated: 2017-09-28. Review status: criteria provided, single submitter. Criteria: Ambry Variant Classification Scheme 2023. Collection method: clinical testing. Allele origin: germline.

Cancer Genetics Laboratory, Peter MacCallum Cancer Centre
Classification: Likely benign for Familial cancer of breast. Last evaluated: 2015-06-01. Review status: criteria provided, single submitter. Criteria: Thompson et al. (Breast Cancer Res. 2015). Collection method: case-control. Allele origin: germline. Affected: no. Observed: 1 variant allele, 1 heterozygote.

Leiden Open Variation Database
Classification: Benign. Last evaluated: 2018-10-10. Review status: no assertion criteria provided. Collection method: curation. Allele origin: germline. Affected: yes. Not counted in ClinVar's aggregate classification.
Comment: Curators: Marc Tischkowitz, Arleen D. Auerbach. Submitter to LOVD: Yukihide Momozawa.

Literature cited by the submitters: PubMed 26283626 (cited by Ambry Genetics); PubMed 30287823 (cited by Leiden Open Variation Database).